The following is an entry in ClinVar:

ClinVar aggregate classification (germline): Pathogenic (1 of 4 stars; one submission).

Conditions:
Hereditary cancer-predisposing syndrome. Also called: Neoplastic Syndromes, Hereditary; Tumor predisposition; Hereditary Cancer Syndrome; Hereditary neoplastic syndrome. Identifiers: Orphanet 140162, MedGen C0027672, MeSH D009386, MONDO:0015356.

Submission:

Color Diagnostics, LLC DBA Color Health
Classification: Pathogenic for Hereditary cancer-predisposing syndrome. Last evaluated: 2023-02-17. Review status: criteria provided, single submitter. Criteria: ACMG Guidelines, 2015. Collection method: clinical testing. Allele origin: germline.
Comment: This variant deletes 1 nucleotide in exon 1 of the BARD1 gene, creating a frameshift and premature translation stop signal. This variant is expected to result in an absent or non-functional protein product. To our knowledge, this variant has not been reported in individuals affected with hereditary cancer in the literature. This variant has not been identified in the general population by the Genome Aggregation Database (gnomAD). Loss of BARD1 function is a known mechanism of disease. Based on the available evidence, this variant is classified as Pathogenic.

NM_000465.4(BARD1):c.51del (p.Asn18fs)

Gene: BARD1 (BRCA1 associated RING domain 1; minus strand). Cytogenetic location: 2q35.
Variant type: Deletion.
Coding change: c.51del on transcript NM_000465.4 (MANE Select); coding-DNA position 51, one base deleted (G; older notation c.51delG).
Protein change: p.Asn18fs; shifts the reading frame from asparagine 18.
Molecular consequence: frameshift variant. On other transcripts: non-coding transcript variant (3).
Genome position (GRCh38, 1-based): chr2:214,809,519, C deleted on the plus strand (G on the coding strand, the reverse complement: BARD1 is on the minus strand); the first of 3 consecutive C bases (chr2:214,809,519-214,809,521); deleting any one gives the same sequence. VCF-style (leftmost placement, unchanged base first): chr2-214809518-TC-T. GRCh37 (hg19) VCF-style: chr2-215674242-TC-T.
Other names: c.51del, p.Asn18fs (NM_001282543.2, NM_001282545.2, NM_001282548.2 and 1 more transcripts); short protein forms N18fs.
Identifiers: ClinVar variation 2774800 (VCV002774800.2), dbSNP rs2469639640, ClinGen allele CA2577234467.